The following is an entry in ClinVar:

ClinVar aggregate classification (germline): Benign/Likely benign. Review status: criteria provided, multiple submitters, no conflicts (2 of 4 stars). 5 submissions from 5 submitters: Benign (2); Likely benign (2). 1 of the submissions does not count toward it. Last evaluated 2026-01-25.

Conditions:
Cole-Carpenter syndrome 2 (CLCRP2). Identifiers: Orphanet 2050, MedGen C4225382, MONDO:0014573, OMIM 616294.
SEC24D-related disorder. Also called: SEC24D-related condition.

Allele frequency attached by ClinVar (database versions not stated): ESP Exome Variant Server 0.00008; gnomAD exomes 0.00109 and 0.00409; gnomAD 0.00120 and 0.00177; TOPMed 0.00250; ExAC 0.00367; 1000 Genomes Project 30x 0.00999; 1000 Genomes Project 0.01158.
gnomAD v4.1: 1,953 of 1,606,634 alleles (0.12%); highest among the groups gnomAD compares: East Asian, 3.4%; 43 homozygotes.

Submissions (9):

Labcorp Genetics (formerly Invitae), Labcorp
Classification: Benign. Last evaluated: 2026-01-25. Review status: criteria provided, single submitter. Criteria: Invitae Variant Classification Sherloc (09022015). Collection method: clinical testing. Allele origin: germline.

Fulgent Genetics
Classification: Likely benign for Cole-Carpenter syndrome 2. Last evaluated: 2021-09-29. Review status: criteria provided, single submitter. Criteria: ACMG Guidelines, 2015. Collection method: clinical testing. Allele origin: unknown.

GeneDx
Classification: Benign. Last evaluated: 2020-03-06. Review status: criteria provided, single submitter. Criteria: GeneDx Variant Classification Process June 2021. Collection method: clinical testing. Allele origin: germline. Affected: yes.

Center for Pediatric Genomic Medicine, Children's Mercy Hospital and Clinics
Classification: Likely benign. Last evaluated: 2017-03-29. Review status: criteria provided, single submitter. Criteria: ACMG Guidelines, 2015. Collection method: clinical testing. Allele origin: germline.

PreventionGenetics, part of Exact Sciences
Classification: Benign for SEC24D-related condition. Last evaluated: 2019-03-21. Review status: no assertion criteria provided. Collection method: clinical testing. Allele origin: germline. Not counted in ClinVar's aggregate classification.
Comment: This variant is classified as benign based on ACMG/AMP sequence variant interpretation guidelines (Richards et al. 2015 PMID: 25741868, with internal and published modifications).

Dr. Peter K. Rogan Lab, Western University
No classification provided (evidence only). Condition: Gastric cancer. Review status: no classification provided. Collection method: in vitro. Allele origin: not applicable. Functional consequence: retained intron. Not counted in ClinVar's aggregate classification.

Dr. Peter K. Rogan Lab, Western University
No classification provided (evidence only). Condition: Malignant tumor of esophagus. Review status: no classification provided. Collection method: in vitro. Allele origin: not applicable. Functional consequence: skipped exon, retained intron. Not counted in ClinVar's aggregate classification.

Dr. Peter K. Rogan Lab, Western University
No classification provided (evidence only). Condition: Hepatocellular carcinoma. Review status: no classification provided. Collection method: in vitro. Allele origin: not applicable. Functional consequence: retained intron. Not counted in ClinVar's aggregate classification.

Dr. Peter K. Rogan Lab, Western University
No classification provided (evidence only). Condition: Hepatocellular carcinoma. Review status: no classification provided. Collection method: in vitro. Allele origin: not applicable. Functional consequence: retained intron. Not counted in ClinVar's aggregate classification.

NM_014822.4(SEC24D):c.1042-6C>G

Gene: SEC24D (SEC24 homolog D, COPII component; minus strand). Cytogenetic location: 4q26.
Variant type: single nucleotide variant.
Coding change: c.1042-6C>G on transcript NM_014822.4 (MANE Select); 6 bases into the intron before coding-DNA position 1042, C replaced by G.
Molecular consequence: intron variant.
Genome position (GRCh38, 1-based): chr4:118,768,317, G>C on the plus strand (C>G on the coding strand, the complement: SEC24D is on the minus strand). VCF-style: chr4-118768317-G-C. GRCh37 (hg19) VCF-style: chr4-119689472-G-C.
Other names: c.1045-6C>G (NM_001318066.2).
Identifiers: ClinVar variation 445346 (VCV000445346.17), dbSNP rs117971741, ClinGen allele CA3057355.